The following is an entry in ClinVar:

ClinVar aggregate classification (germline): Uncertain significance (1 of 4 stars; one submission).

Conditions:
Leukocyte adhesion deficiency type II. Also called: Congenital disorder of glycosylation type 2C; CDG 2C; Leukocyte adhesion deficiency type 2; Rambam Hasharon syndrome; CONGENITAL DISORDER OF GLYCOSYLATION, TYPE IIc; CDG IIc. Identifiers: Orphanet 2968, Orphanet 99843, MedGen C0398739, MONDO:0009953, OMIM 266265.

Submission:

Labcorp Genetics (formerly Invitae), Labcorp
Classification: Uncertain significance for Leukocyte adhesion deficiency type II. Last evaluated: 2025-12-28. Review status: criteria provided, single submitter. Criteria: Invitae Variant Classification Sherloc (09022015). Collection method: clinical testing. Allele origin: germline.
Comment: This sequence change replaces asparagine, which is neutral and polar, with lysine, which is basic and polar, at codon 132 of the SLC35C1 protein (p.Asn132Lys). This variant is not present in population databases (gnomAD no frequency). This variant has not been reported in the literature in individuals affected with SLC35C1-related conditions. Invitae Evidence Modeling of protein sequence and biophysical properties (such as structural, functional, and spatial information, amino acid conservation, physicochemical variation, residue mobility, and thermodynamic stability) indicates that this missense variant is expected to disrupt SLC35C1 protein function with a positive predictive value of 80%. In summary, the available evidence is currently insufficient to determine the role of this variant in disease. Therefore, it has been classified as a Variant of Uncertain Significance.

NM_018389.5(SLC35C1):c.396C>G (p.Asn132Lys)

Gene: SLC35C1 (solute carrier family 35 member C1; plus strand). Cytogenetic location: 11p11.2.
Variant type: single nucleotide variant.
Coding change: c.396C>G on transcript NM_018389.5 (MANE Select); coding-DNA position 396, C replaced by G.
Protein change: p.Asn132Lys; replaces asparagine 132 with lysine.
Molecular consequence: missense variant.
Genome position (GRCh38, 1-based): chr11:45,806,197, C>G. VCF-style: chr11-45806197-C-G. GRCh37 (hg19) VCF-style: chr11-45827748-C-G.
Other names: c.357C>G, p.Asn119Lys (NM_001145265.2, NM_001145266.2, NM_001425156.1); c.396C>G, p.Asn132Lys (NM_001425155.1); short protein forms N132K, N119K.
Identifiers: ClinVar variation 4746635 (VCV004746635.1).